The following is an entry in ClinVar:

ClinVar aggregate classification (germline): Uncertain significance (1 of 4 stars; one submission).

Submission:

GeneDx
Classification: Uncertain significance. Last evaluated: 2025-04-21. Review status: criteria provided, single submitter. Criteria: GeneDx Variant Classification Process June 2021. Collection method: clinical testing. Allele origin: germline. Affected: yes.
Comment: Not observed at significant frequency in large population cohorts (gnomAD); In silico analysis indicates that this missense variant does not alter protein structure/function; Has not been previously published as pathogenic or benign to our knowledge

NM_015557.3(CHD5):c.949G>A (p.Ala317Thr)

Gene: CHD5 (chromodomain helicase DNA binding protein 5; minus strand). Cytogenetic location: 1p36.31.
Variant type: single nucleotide variant.
Coding change: c.949G>A on transcript NM_015557.3 (MANE Select); coding-DNA position 949, G replaced by A.
Protein change: p.Ala317Thr; replaces alanine 317 with threonine.
Molecular consequence: missense variant.
Genome position (GRCh38, 1-based): chr1:6,151,077, C>T on the plus strand (G>A on the coding strand, the complement: CHD5 is on the minus strand). VCF-style: chr1-6151077-C-T. GRCh37 (hg19) VCF-style: chr1-6211137-C-T.
Other names: short protein forms A317T.
Identifiers: ClinVar variation 4527432 (VCV004527432.1).